The following is an entry in ClinVar:

NM_025099.6(CTC1):c.2993C>T (p.Pro998Leu)

Gene: CTC1 (CST telomere replication complex component 1; minus strand). Cytogenetic location: 17p13.1.
Variant type: single nucleotide variant.
Coding change: c.2993C>T on transcript NM_025099.6 (MANE Select); coding-DNA position 2993, C replaced by T.
Protein change: p.Pro998Leu; replaces proline 998 with leucine.
Molecular consequence: missense variant. On other transcripts: non-coding transcript variant (1).
Genome position (GRCh38, 1-based): chr17:8,229,909, G>A on the plus strand (C>T on the coding strand, the complement: CTC1 is on the minus strand). VCF-style: chr17-8229909-G-A. GRCh37 (hg19) VCF-style: chr17-8133227-G-A.
Other names: short protein forms P998L.
Identifiers: ClinVar variation 849562 (VCV000849562.10), dbSNP rs368344044, ClinGen allele CA8371925.

ClinVar aggregate classification (germline): Uncertain significance. Review status: criteria provided, multiple submitters, no conflicts (2 of 4 stars). 2 submissions from 2 submitters: Uncertain significance (2). Last evaluated 2025-09-29.

Conditions:
Inborn genetic diseases. Identifiers: MedGen C0950123, MeSH D030342.
Dyskeratosis congenita. Identifiers: Orphanet 1775, MedGen C0265965, MONDO:0015780.

Allele frequency attached by ClinVar (database versions not stated): gnomAD 0.00001; gnomAD exomes 0.00001 and 0.00002; TOPMed 0.00001; ExAC 0.00002; ESP Exome Variant Server 0.00008.
gnomAD v4.1: 25 of 1,613,936 alleles (0.0015%); highest among the groups gnomAD compares: Admixed American, 0.0067%; no homozygotes.

Submissions (2):

Labcorp Genetics (formerly Invitae), Labcorp
Classification: Uncertain significance for Dyskeratosis congenita. Last evaluated: 2025-09-29. Review status: criteria provided, single submitter. Criteria: Invitae Variant Classification Sherloc (09022015). Collection method: clinical testing. Allele origin: germline.
Comment: This sequence change replaces proline, which is neutral and non-polar, with leucine, which is neutral and non-polar, at codon 998 of the CTC1 protein (p.Pro998Leu). This variant is present in population databases (rs368344044, gnomAD 0.003%). This variant has not been reported in the literature in individuals affected with CTC1-related conditions. ClinVar contains an entry for this variant (Variation ID: 849562). Invitae Evidence Modeling of protein sequence and biophysical properties (such as structural, functional, and spatial information, amino acid conservation, physicochemical variation, residue mobility, and thermodynamic stability) indicates that this missense variant is expected to disrupt CTC1 protein function with a positive predictive value of 80%. In summary, the available evidence is currently insufficient to determine the role of this variant in disease. Therefore, it has been classified as a Variant of Uncertain Significance.

Ambry Genetics
Classification: Uncertain significance for Inborn genetic diseases. Last evaluated: 2023-10-10. Review status: criteria provided, single submitter. Criteria: Ambry Variant Classification Scheme 2023. Collection method: clinical testing. Allele origin: germline.